The following is an entry in ClinVar:

ClinVar aggregate classification (germline): Uncertain significance (1 of 4 stars; one submission).

Submission:

Ambry Genetics
Classification: Uncertain significance. Last evaluated: 2025-07-12. Review status: criteria provided, single submitter. Criteria: Ambry Variant Classification Scheme 2023. Collection method: clinical testing. Allele origin: germline.
Comment: The p.I297N variant (also known as c.890T>A), located in coding exon 1 of the MC1R gene, results from a T to A substitution at nucleotide position 890. The isoleucine at codon 297 is replaced by asparagine, an amino acid with dissimilar properties. This amino acid position is conserved. In addition, the in silico prediction for this alteration is inconclusive. Based on the available evidence, the clinical significance of this variant remains unclear.

NM_002386.4(MC1R):c.890T>A (p.Ile297Asn)

Gene: MC1R (melanocortin 1 receptor; plus strand). Cytogenetic location: 16q24.3.
Variant type: single nucleotide variant.
Coding change: c.890T>A on transcript NM_002386.4 (MANE Select); coding-DNA position 890, T replaced by A.
Protein change: p.Ile297Asn; replaces isoleucine 297 with asparagine.
Molecular consequence: missense variant.
Genome position (GRCh38, 1-based): chr16:89,920,148, T>A. VCF-style: chr16-89920148-T-A. GRCh37 (hg19) VCF-style: chr16-89986556-T-A.
Other names: short protein forms I297N.
Identifiers: ClinVar variation 4104853 (VCV004104853.1).
Genomic context (GRCh38, chr16:89,920,148, plus strand): 5'-TCAAGAACTTCAACCTCTTTCTCGCCCTCATCATCTGCAATGCCATCATCGACCCCCTCA[T>A]CTACGCCTTCCACAGCCAGGAGCTCCGCAGGACGCTCAAGGAGGTGCTGACATGCTCCTG-3'
Protein context (NP_002377.4, residues 287-307): IICNAIIDPL[Ile297Asn]YAFHSQELRR